The following is an entry in ClinVar:

ClinVar aggregate classification (germline): Uncertain significance. Review status: criteria provided, multiple submitters, no conflicts (2 of 4 stars). 3 submissions from 3 submitters: Uncertain significance (3). Last evaluated 2025-06-04.

Conditions:
Inborn genetic diseases. Identifiers: MedGen C0950123, MeSH D030342.
Epidermodysplasia verruciformis. Identifiers: Orphanet 302, MedGen C0014522, MONDO:0009176.

Allele frequency attached by ClinVar (database versions not stated): ExAC 0.00004; gnomAD exomes 0.00004 and 0.00019; gnomAD 0.00026; TOPMed 0.00035.

Submissions (3):

Ambry Genetics
Classification: Uncertain significance for Inborn genetic diseases. Last evaluated: 2025-06-04. Review status: criteria provided, single submitter. Criteria: Ambry Variant Classification Scheme 2023. Collection method: clinical testing. Allele origin: germline.

Blueprint Genetics
Classification: Uncertain significance. Last evaluated: 2024-05-29. Review status: criteria provided, single submitter. Criteria: ACMG Guidelines, 2015. Collection method: clinical testing. Allele origin: germline.

Labcorp Genetics (formerly Invitae), Labcorp
Classification: Uncertain significance for Epidermodysplasia verruciformis. Last evaluated: 2022-10-24. Review status: criteria provided, single submitter. Criteria: Invitae Variant Classification Sherloc (09022015). Collection method: clinical testing. Allele origin: germline.
Comment: This sequence change replaces asparagine, which is neutral and polar, with serine, which is neutral and polar, at codon 412 of the TMC8 protein (p.Asn412Ser). This variant is present in population databases (rs772650292, gnomAD 0.1%). This variant has not been reported in the literature in individuals affected with TMC8-related conditions. ClinVar contains an entry for this variant (Variation ID: 846234). Advanced modeling of protein sequence and biophysical properties (such as structural, functional, and spatial information, amino acid conservation, physicochemical variation, residue mobility, and thermodynamic stability) performed at Invitae indicates that this missense variant is not expected to disrupt TMC8 protein function. In summary, the available evidence is currently insufficient to determine the role of this variant in disease. Therefore, it has been classified as a Variant of Uncertain Significance.

NM_152468.5(TMC8):c.1235A>G (p.Asn412Ser)

Gene: TMC8 (transmembrane channel like 8; plus strand). Cytogenetic location: 17q25.3.
Variant type: single nucleotide variant.
Coding change: c.1235A>G on transcript NM_152468.5 (MANE Select); coding-DNA position 1235, A replaced by G.
Protein change: p.Asn412Ser; replaces asparagine 412 with serine.
Molecular consequence: missense variant.
Genome position (GRCh38, 1-based): chr17:78,137,342, A>G. VCF-style: chr17-78137342-A-G. GRCh37 (hg19) VCF-style: chr17-76133423-A-G.
Other names: short protein forms N412S.
Identifiers: ClinVar variation 846234 (VCV000846234.8), dbSNP rs772650292, ClinGen allele CA8796761.